The following is an entry in ClinVar:

ClinVar aggregate classification (germline): Pathogenic/Likely pathogenic. Review status: criteria provided, multiple submitters, no conflicts (2 of 4 stars). 11 submissions from 11 submitters: Pathogenic (7); Likely pathogenic (4). Last evaluated 2026-01-13.

Conditions:
Renal tubulopathies.
SLC12A3-related disorder. Also called: SLC12A3-related condition.
Familial hypokalemia-hypomagnesemia (GTLMNS). Also called: gitelman syndrome; HYPOMAGNESEMIA-HYPOKALEMIA, PRIMARY RENOTUBULAR, WITH HYPOCALCIURIA; POTASSIUM AND MAGNESIUM DEPLETION. Identifiers: Orphanet 358, MedGen C0268450, MONDO:0009904, OMIM 263800.

Allele frequency attached by ClinVar (database versions not stated): gnomAD exomes 0.00002; TOPMed 0.00002; ExAC 0.00001; gnomAD 0.00001.
gnomAD v4.1: 23 of 1,614,042 alleles (0.0014%); highest among the groups gnomAD compares: East Asian, 0.0045%; no homozygotes.

Submissions (11):

Genetics Laboratory, Great Ormond Street Hospital NHS Foundation Trust, North Thames Genomic Laboratory Hub
Classification: Pathogenic for Renal tubulopathies. Last evaluated: 2026-01-13. Review status: criteria provided, single submitter. Criteria: ACGS Best Practice Guidelines for Variant Classification in Rare Disease 2024 v1.2. Collection method: clinical testing. Allele origin: germline. Affected: yes.
Comment: PM2_moderate, PP3_supporting, PM3_very-strong

GeneDx
Classification: Likely pathogenic. Last evaluated: 2025-12-29. Review status: criteria provided, single submitter. Criteria: GeneDx Variant Classification Process June 2021. Collection method: clinical testing. Allele origin: germline.
Comment: Observed with a second SLC12A3 variant in unrelated patients in published literature, but it is not known whether the variants occurred on the same (in cis) or on different (in trans) chromosomes (PMID: 11168953, 22009145); In silico analysis supports that this missense variant has a deleterious effect on protein structure/function; This variant is associated with the following publications: (PMID: 22009145, 31672324, 25841442, 21415153, 39333430, 35628451, 37327293, 37197138, 34604727, Yu2025[Case Report], 11168953, 28947054, 35591852)

Victorian Clinical Genetics Services, Murdoch Childrens Research Institute
Classification: Pathogenic for Familial hypokalemia-hypomagnesemia. Last evaluated: 2025-12-15. Review status: criteria provided, single submitter. Criteria: ACMG Guidelines, 2015. Collection method: clinical testing. Allele origin: germline. Affected: yes.
Comment: This variant is classified as Pathogenic. Evidence in support of pathogenic classification: Variant is present in gnomAD <0.01 for a recessive condition (v4: 23 heterozygote(s), 0 homozygote(s)). - This variant has strong previous evidence of pathogenicity in unrelated individuals. This variant has been classified as pathogenic or likely pathogenic by multiple clinical laboratories in ClinVar. It has also been reported in the literature homozygous, compound heterozygous or suspected compound heterozygous in multiple individuals with suspected Gitelman Syndrome (PMIDs: 37327293, 37197138, 28947054, 21415153, 11168953). - Missense variant predicted to be damaging by in silico tool(s) or highly conserved with a major amino acid change. Additional information: Variant is predicted to result in a missense amino acid change from Ser to Leu; This variant is heterozygous; This gene is associated with autosomal recessive disease; Alternative amino acid change(s) at the same position are present in gnomAD (highest allele count: v4: 1 heterozygote(s), 0 homozygote(s)). - Variant is located in the annotated amino acid permease domain (DECIPHER); Loss of function is a known mechanism of disease in this gene and is associated with Gitelman syndrome (MIM#263800); Inheritance information for this variant is not currently available in this individual.

PreventionGenetics, part of Exact Sciences
Classification: Likely pathogenic for SLC12A3-related condition. Last evaluated: 2025-08-20. Review status: criteria provided, single submitter. Criteria: ACMG Guidelines, 2015. Collection method: clinical testing. Allele origin: germline.
Comment: The SLC12A3 c.533C>T variant is predicted to result in the amino acid substitution p.Ser178Leu. This variant was reported to be causative for Gitelman syndrome in multiple individuals (see for example: Cruz et al. 2001. PubMed ID: 11168953; Zahed et al. 2017. PubMed ID: 28947054; Table S1, Hureaux et al. 2019. PubMed ID: 31672324; Table S3, Palazzo et al. 2022. PubMed ID: 35628451; Xun et al. 2023. PubMed ID: 37197138; Yang et al. 2023. PubMed ID: 37327293). This variant is reported in 0.0054% of alleles in individuals of East Asian descent in gnomAD. This variant is interpreted as likely pathogenic.

Natera, Inc.
Classification: Pathogenic for Gitelman syndrome. Last evaluated: 2025-06-27. Review status: criteria provided, single submitter. Criteria: Natera Variant Classification Schema (03/2026). Collection method: clinical testing. Allele origin: germline.
Comment: The c.533C>T variant in SLC12A3 is a missense variant predicted to cause substitution of serine to leucine at amino acid 178. This variant is rare in the general population with a frequency below the threshold expected for the associated phenotype(s). This variant has been observed in one or more individuals affected with the associated recessive disease, as either homozygous or compound heterozygous with a second variant (PMID: 37327293, 37197138). Computational prediction algorithms indicate this variant is likely to affect gene or protein function. Given the available evidence, this variant is classified as Pathogenic.

Institute of Immunology and Genetics Kaiserslautern
Classification: Likely pathogenic for Familial hypokalemia-hypomagnesemia. Last evaluated: 2024-06-13. Review status: criteria provided, single submitter. Criteria: ACMG Guidelines, 2015. Collection method: clinical testing. Allele origin: germline. Affected: yes.
Comment: ACMG Criteria: PM2_P, PP3, PP2, PM3, PP5, PP1, PP4; Variant was found in heterozygous state together with the heterozygous variant NM_001126108.2:c.947G>C

Women's Health and Genetics/Laboratory Corporation of America, LabCorp
Classification: Pathogenic for Familial hypokalemia-hypomagnesemia. Last evaluated: 2024-03-11. Review status: criteria provided, single submitter. Criteria: LabCorp Variant Classification Summary - May 2015. Collection method: clinical testing. Allele origin: germline.
Comment: Variant summary: SLC12A3 c.533C>T (p.Ser178Leu) results in a non-conservative amino acid change located in the Amino acid permease/ SLC12A domain (IPR004841) of the encoded protein sequence. Five of five in-silico tools predict a damaging effect of the variant on protein function. The variant allele was found at a frequency of 1.6e-05 in 251396 control chromosomes (gnomAD). c.533C>T has been reported in the literature in multiple individuals affected with Gitelmans syndrome (examples: Cruz_2001, Zhang_2020, Palazzo_2022). These data indicate that the variant is very likely to be associated with disease. The following publications have been ascertained in the context of this evaluation (PMID: 32542819, 35628451, 11168953). ClinVar contains an entry for this variant (Variation ID: 1028205). Based on the evidence outlined above, the variant was classified as pathogenic.

Fulgent Genetics
Classification: Pathogenic for Familial hypokalemia-hypomagnesemia. Last evaluated: 2024-03-07. Review status: criteria provided, single submitter. Criteria: ACMG Guidelines, 2015. Collection method: clinical testing. Allele origin: germline.

Labcorp Genetics (formerly Invitae), Labcorp
Classification: Pathogenic. Last evaluated: 2024-02-20. Review status: criteria provided, single submitter. Criteria: Invitae Variant Classification Sherloc (09022015). Collection method: clinical testing. Allele origin: germline.
Comment: This sequence change replaces serine, which is neutral and polar, with leucine, which is neutral and non-polar, at codon 178 of the SLC12A3 protein (p.Ser178Leu). This variant is present in population databases (rs772589653, gnomAD 0.006%). This missense change has been observed in individuals with Gitelman's syndrome (PMID: 11168953, 21415153, 28947054, 31672324). It has also been observed to segregate with disease in related individuals. ClinVar contains an entry for this variant (Variation ID: 1028205). Advanced modeling of protein sequence and biophysical properties (such as structural, functional, and spatial information, amino acid conservation, physicochemical variation, residue mobility, and thermodynamic stability) performed at Invitae indicates that this missense variant is expected to disrupt SLC12A3 protein function with a positive predictive value of 95%. For these reasons, this variant has been classified as Pathogenic.

Blueprint Genetics
Classification: Pathogenic for SLC12A3-related disorders. Last evaluated: 2023-07-27. Review status: criteria provided, single submitter. Criteria: ACMG Guidelines, 2015. Collection method: clinical testing. Allele origin: germline. Affected: yes. Observed: 2 variant alleles.

Genome-Nilou Lab
Classification: Likely pathogenic for Familial hypokalemia-hypomagnesemia. Last evaluated: 2021-07-15. Review status: criteria provided, single submitter. Criteria: ACMG Guidelines, 2015. Collection method: clinical testing. Allele origin: germline. Affected: no.

Literature cited by the submitters: PubMed 11168953 (cited by 3 submitters); PubMed 37327293 (cited by Victorian Clinical Genetics Services, Murdoch Childrens Research Institute and Natera, Inc.); PubMed 21415153 (cited by Victorian Clinical Genetics Services, Murdoch Childrens Research Institute and Labcorp Genetics (formerly Invitae), Labcorp); PubMed 28947054 (cited by Victorian Clinical Genetics Services, Murdoch Childrens Research Institute and Labcorp Genetics (formerly Invitae), Labcorp); PubMed 37197138 (cited by Victorian Clinical Genetics Services, Murdoch Childrens Research Institute and Natera, Inc.); PubMed 32542819 (cited by Women's Health and Genetics/Laboratory Corporation of America, LabCorp); PubMed 35628451 (cited by Women's Health and Genetics/Laboratory Corporation of America, LabCorp); PubMed 31672324 (cited by Labcorp Genetics (formerly Invitae), Labcorp).

NM_001126108.2(SLC12A3):c.533C>T (p.Ser178Leu)

Gene: SLC12A3 (solute carrier family 12 member 3; plus strand). Cytogenetic location: 16q13.
Variant type: single nucleotide variant.
Coding change: c.533C>T on transcript NM_001126108.2 (MANE Select); coding-DNA position 533, C replaced by T.
Protein change: p.Ser178Leu; replaces serine 178 with leucine.
Molecular consequence: missense variant.
Genome position (GRCh38, 1-based): chr16:56,869,756, C>T. VCF-style: chr16-56869756-C-T. GRCh37 (hg19) VCF-style: chr16-56903668-C-T.
Other names: c.533C>T, p.Ser178Leu (NM_000339.3); c.530C>T, p.Ser177Leu (NM_001126107.2); short protein forms S177L, S178L.
Identifiers: ClinVar variation 1028205 (VCV001028205.24), dbSNP rs772589653, ClinGen allele CA8069089.